The following is an entry in ClinVar:

NM_052845.4(MMAB):c.520-1G>A

Gene: MMAB (metabolism of cobalamin associated B; minus strand). Cytogenetic location: 12q24.11.
Variant type: single nucleotide variant.
Coding change: c.520-1G>A on transcript NM_052845.4 (MANE Select); the canonical splice acceptor site of the intron before coding-DNA position 520, G replaced by A.
Molecular consequence: splice acceptor variant.
Genome position (GRCh38, 1-based): chr12:109,561,105, C>T on the plus strand (G>A on the coding strand, the complement: MMAB is on the minus strand). VCF-style: chr12-109561105-C-T. GRCh37 (hg19) VCF-style: chr12-109998910-C-T.
Identifiers: ClinVar variation 4816441 (VCV004816441.1).
Genomic context (GRCh38, chr12:109,561,105, plus strand): 5'-CTCGGCCCGGCGGCACACGGCCCGGCAGAAATGCAGCGCCGAGCTGATCTTGCCTCCCGA[C>T]TGAAAGGAGAAAGGGACATTGCCTGAGCAGGGTGGGAAAGGTGTGCCCACTGCGGACAGG-3'

ClinVar aggregate classification (germline): Likely pathogenic (1 of 4 stars; one submission).

Conditions:
Methylmalonic aciduria, cblB type (MACB). Also called: METHYLMALONIC ACIDURIA, VITAMIN B12-RESPONSIVE, DUE TO DEFECT IN SYNTHESIS OF ADENOSYLCOBALAMIN, cblB TYPE; Methylmalonic acidemia cblB type; Vitamin B12-responsive methylmalonic acidemia type cblB. Identifiers: Orphanet 28, Orphanet 79311, MedGen C1855102, MONDO:0009614, OMIM 251110.

Submission:

Natera, Inc.
Classification: Likely pathogenic for Methylmalonic aciduria cblB type. Last evaluated: 2026-01-11. Review status: criteria provided, single submitter. Criteria: Natera Variant Classification Schema (03/2026). Collection method: clinical testing. Allele origin: germline.
Comment: The c.520-1G>A variant in MMAB is a canonical splice acceptor site variant predicted to affect pre-mRNA splicing, which may result in an abnormal transcript and altered protein product. This variant is expected to result in nonsense mediated decay, truncation, or a dysfunctional protein product. This variant is rare in the general population with a frequency below the threshold expected for the associated phenotype(s). Given the available evidence, this variant is classified as Likely Pathogenic.